The following is an entry in ClinVar:

NM_001999.4(FBN2):c.7324G>A (p.Gly2442Arg)

Gene: FBN2 (fibrillin 2; minus strand). Cytogenetic location: 5q23.3.
Variant type: single nucleotide variant.
Coding change: c.7324G>A on transcript NM_001999.4 (MANE Select); coding-DNA position 7324, G replaced by A.
Protein change: p.Gly2442Arg; replaces glycine 2442 with arginine.
Molecular consequence: missense variant.
Genome position (GRCh38, 1-based): chr5:128,278,656, C>T on the plus strand (G>A on the coding strand, the complement: FBN2 is on the minus strand). VCF-style: chr5-128278656-C-T. GRCh37 (hg19) VCF-style: chr5-127614348-C-T.
Other names: short protein forms G2442R.
Identifiers: ClinVar variation 1210894 (VCV001210894.6), dbSNP rs750984768, ClinGen allele CA3394156.

ClinVar aggregate classification (germline): Conflicting classifications of pathogenicity. Review status: criteria provided, conflicting classifications (1 of 4 stars). 2 submissions from 2 submitters: Uncertain significance (1); Likely benign (1). Last evaluated 2025-02-10.

Conditions:
Congenital contractural arachnodactyly (CCA). Also called: BEALS SYNDROME; Beals-Hecht syndrome; Arthrogryposis, distal, type 9. Identifiers: Orphanet 115, MedGen C0220668, MONDO:0007363, OMIM 121050.

Allele frequency attached by ClinVar (database versions not stated): TOPMed below 0.00001; ExAC 0.00001; gnomAD exomes 0.00001.
gnomAD v4.1: 15 of 1,613,956 alleles (0.00093%); highest among the groups gnomAD compares: African/African-American, 0.0013%; no homozygotes.

Submissions (2):

Labcorp Genetics (formerly Invitae), Labcorp
Classification: Likely benign for Congenital contractural arachnodactyly. Last evaluated: 2025-02-10. Review status: criteria provided, single submitter. Criteria: Invitae Variant Classification Sherloc (09022015). Collection method: clinical testing. Allele origin: germline.

GeneDx
Classification: Uncertain significance. Last evaluated: 2022-09-08. Review status: criteria provided, single submitter. Criteria: GeneDx Variant Classification Process June 2021. Collection method: clinical testing. Allele origin: germline. Affected: yes.
Comment: Has not been previously published as pathogenic or benign to our knowledge; Not observed at significant frequency in large population cohorts (gnomAD); In silico analysis supports that this missense variant has a deleterious effect on protein structure/function; Does not affect a cysteine residue within a calcium-binding EGF-like domain of the FBN2 gene; cysteine substitutions in the calcium-binding EGF-like domains represent the majority of pathogenic missense changes associated with FBN2-related disorders (Frederic et al., 2009)